The following is an entry in ClinVar:

ClinVar aggregate classification (germline): Pathogenic/Likely pathogenic. Review status: criteria provided, multiple submitters, no conflicts (2 of 4 stars). 6 submissions from 6 submitters: Pathogenic (2); Likely pathogenic (4). Last evaluated 2025-09-24.

Conditions:
Zellweger spectrum disorders (ZS). Also called: Zellweger syndrome; Zellweger Spectrum Disorder; Zellweger Spectrum; Zellweger Spectrum Disorder (ZSD). Identifiers: Orphanet 912, MedGen C0043459, MONDO:0019609.
Peroxisome biogenesis disorder 1A (Zellweger) (PBD1A). Also called: Peroxisome biogenesis disorder 1a; Zellweger leukodystrophy. Identifiers: MedGen C4721541, MONDO:0008953, OMIM 214100.
Heimler syndrome 1 (HMLR1). Also called: PEROXISOME BIOGENESIS DISORDER 1C. Identifiers: Orphanet 3220, MedGen C4551980, OMIM 234580, MONDO:0024544.
Peroxisome biogenesis disorder 1B (PBD1B). Also called: PEROXISOME BIOGENESIS DISORDER (NEONATAL ADRENOLEUKODYSTROPHY/INFANTILE REFSUM DISEASE); INFANTILE PHYTANIC ACID STORAGE DISEASE; PEROXISOME BIOGENESIS DISORDER (NALD/IRD); ADRENOLEUKODYSTROPHY, AUTOSOMAL NEONATAL; Refsum disease, infantile form; Infantile Refsum disease. Identifiers: Orphanet 44, MedGen C0282527, MONDO:0011101, OMIM 601539.

Allele frequency attached by ClinVar (database versions not stated): gnomAD exomes below 0.00001; TOPMed 0.00001.

Submissions (6):

Genesolutions, Medical Genetics Institutes, Ho Chi Minh City, Vietnam
Classification: Pathogenic for Peroxisome biogenesis disorder 1A (Zellweger). Last evaluated: 2025-09-24. Review status: criteria provided, single submitter. Criteria: ACMG Guidelines, 2015. Collection method: clinical testing. Allele origin: germline. Affected: yes.

Natera, Inc.
Classification: Likely pathogenic for Zellweger syndrome. Last evaluated: 2025-02-05. Review status: criteria provided, single submitter. Criteria: Natera Variant Classification Schema (03/2026). Collection method: clinical testing. Allele origin: germline.
Comment: The c.357+1G>T variant in PEX1 is a canonical splice donor site variant predicted to affect pre-mRNA splicing, which may result in an abnormal transcript and altered protein product. This variant may result in a truncated or dysfunctional protein product. This variant is rare in the general population with a frequency below the threshold expected for the associated phenotype(s). This variant has been observed in one or more individuals affected with the associated recessive disease, as either homozygous or compound heterozygous with a second variant (PMID: 37204857). Given the available evidence, this variant is classified as Likely Pathogenic.

Fulgent Genetics
Classification: Likely pathogenic for Peroxisome biogenesis disorder 1A (Zellweger); Heimler syndrome 1; Peroxisome biogenesis disorder 1B. Last evaluated: 2024-06-11. Review status: criteria provided, single submitter. Criteria: ACMG Guidelines, 2015. Collection method: clinical testing. Allele origin: germline.

Baylor Genetics
Classification: Likely pathogenic for Heimler syndrome 1. Last evaluated: 2024-03-14. Review status: criteria provided, single submitter. Criteria: ACMG Guidelines, 2015. Collection method: clinical testing. Allele origin: unknown.

Labcorp Genetics (formerly Invitae), Labcorp
Classification: Pathogenic for Zellweger spectrum disorders. Last evaluated: 2023-08-16. Review status: criteria provided, single submitter. Criteria: Invitae Variant Classification Sherloc (09022015). Collection method: clinical testing. Allele origin: germline.
Comment: For these reasons, this variant has been classified as Pathogenic. Algorithms developed to predict the effect of sequence changes on RNA splicing suggest that this variant may disrupt the consensus splice site. ClinVar contains an entry for this variant (Variation ID: 1495205). Disruption of this splice site has been observed in individual(s) with clinical features of PEX1-related disorders (PMID: 32959227). In at least one individual the data is consistent with being in trans (on the opposite chromosome) from a pathogenic variant. This variant is present in population databases (no rsID available, gnomAD 0.006%). This sequence change affects a donor splice site in intron 3 of the PEX1 gene. It is expected to disrupt RNA splicing. Variants that disrupt the donor or acceptor splice site typically lead to a loss of protein function (PMID: 16199547), and loss-of-function variants in PEX1 are known to be pathogenic (PMID: 21031596, 26387595, 31831025).

Juno Genomics, Hangzhou Juno Genomics, Inc
Classification: Likely pathogenic for Heimler syndrome 1; Peroxisome biogenesis disorder 1A (Zellweger); Peroxisome biogenesis disorder 1B. Review status: criteria provided, single submitter. Criteria: ACMG Guidelines, 2015. Collection method: clinical testing. Allele origin: germline.
Comment: Absent from controls (or at extremely low frequency if recessive) in Genome Aggregation Database.;Null variant in a gene where loss of function (LOF) is a known mechanism of disease.

Literature cited by the submitters: PubMed 37204857 (cited by Natera, Inc.); PubMed 32959227 (cited by Labcorp Genetics (formerly Invitae), Labcorp); PubMed 16199547 (cited by Labcorp Genetics (formerly Invitae), Labcorp); PubMed 21031596 (cited by Labcorp Genetics (formerly Invitae), Labcorp); PubMed 26387595 (cited by Labcorp Genetics (formerly Invitae), Labcorp); PubMed 31831025 (cited by Labcorp Genetics (formerly Invitae), Labcorp).

NM_000466.3(PEX1):c.357+1G>T

Gene: PEX1 (peroxisomal biogenesis factor 1; minus strand). Cytogenetic location: 7q21.2.
Variant type: single nucleotide variant.
Coding change: c.357+1G>T on transcript NM_000466.3 (MANE Select); the canonical splice donor site of the intron after coding-DNA position 357, G replaced by T.
Molecular consequence: splice donor variant. On other transcripts: 5 prime UTR variant (1).
Genome position (GRCh38, 1-based): chr7:92,518,994, C>A on the plus strand (G>T on the coding strand, the complement: PEX1 is on the minus strand). VCF-style: chr7-92518994-C-A. GRCh37 (hg19) VCF-style: chr7-92148308-C-A.
Other names: c.-302G>T (NM_001282678.2); c.357+1G>T (NM_001282677.2, NM_000466.2).
Identifiers: ClinVar variation 1495205 (VCV001495205.14), dbSNP rs866144313, ClinGen allele CA161974656.